The following is an entry in ClinVar:

ClinVar aggregate classification (germline): Uncertain significance (1 of 4 stars; one submission).

Submission:

Ambry Genetics
Classification: Uncertain significance. Last evaluated: 2025-12-02. Review status: criteria provided, single submitter. Criteria: Ambry Variant Classification Scheme 2023. Collection method: clinical testing. Allele origin: germline.
Comment: The p.W1315L variant (also known as c.3944G>T), located in coding exon 36 of the KIF1B gene, results from a G to T substitution at nucleotide position 3944. The tryptophan at codon 1315 is replaced by leucine, an amino acid with similar properties. This amino acid position is conserved. In addition, this alteration is predicted to be deleterious by in silico analysis. Based on the available evidence, the clinical significance of this variant remains unclear.

NM_001365951.3(KIF1B):c.4082G>T (p.Trp1361Leu)

Gene: KIF1B (kinesin family member 1B; plus strand). Cytogenetic location: 1p36.22.
Variant type: single nucleotide variant.
Coding change: c.4082G>T on transcript NM_001365951.3 (MANE Select); coding-DNA position 4082, G replaced by T.
Protein change: p.Trp1361Leu; replaces tryptophan 1361 with leucine.
Molecular consequence: missense variant.
Genome position (GRCh38, 1-based): chr1:10,360,955, G>T. VCF-style: chr1-10360955-G-T. GRCh37 (hg19) VCF-style: chr1-10421013-G-T.
Other names: c.4082G>T, p.Trp1361Leu (NM_001365952.1); c.3944G>T, p.Trp1315Leu (NM_015074.3); short protein forms W1315L, W1361L.
Identifiers: ClinVar variation 4543686 (VCV004543686.1).
Genomic context (GRCh38, chr1:10,360,955, plus strand): 5'-TTTGGATGATTCCCTCTTGTCTTTCTGACCTTAGGACCTTCTACCGCTTTGAGGCTGTGT[G>T]GGATAGCTCTCTGCATAACTCCCTTCTTCTGAACCGAGTGACACCCTATGGAGAAAAGAT-3'
Protein context (NP_001352880.1, residues 1351-1371): SRTFYRFEAV[Trp1361Leu]DSSLHNSLLL